The following is an entry in ClinVar:

ClinVar aggregate classification (germline): Conflicting classifications of pathogenicity. Review status: criteria provided, conflicting classifications (1 of 4 stars). 2 submissions from 2 submitters: Likely pathogenic (1); Uncertain significance (1). Last evaluated 2026-03-28.

Submissions (2):

GeneDx
Classification: Likely pathogenic. Last evaluated: 2026-03-28. Review status: criteria provided, single submitter. Criteria: GeneDx Variant Classification Process June 2021. Collection method: clinical testing. Allele origin: germline.
Comment: Not observed at significant frequency in large population cohorts (gnomAD); Missense variants in this gene are a common cause of disease and they are underrepresented in the general population; In silico analysis supports that this missense variant has a deleterious effect on protein structure/function; Has not been previously published as pathogenic or benign to our knowledge; This variant is associated with the following publications: (PMID: 24860126)

Genetic Services Laboratory, University of Chicago
Classification: Uncertain significance. Last evaluated: 2016-01-05. Review status: criteria provided, single submitter. Criteria: ACMG Guidelines, 2015. Collection method: clinical testing. Allele origin: germline. Affected: no.

NM_178012.5(TUBB2B):c.424G>A (p.Gly142Ser)

Gene: TUBB2B (tubulin beta 2B class IIb; minus strand). Cytogenetic location: 6p25.2.
Variant type: single nucleotide variant.
Coding change: c.424G>A on transcript NM_178012.5 (MANE Select); coding-DNA position 424, G replaced by A.
Protein change: p.Gly142Ser; replaces glycine 142 with serine.
Molecular consequence: missense variant.
Genome position (GRCh38, 1-based): chr6:3,225,665, C>T on the plus strand (G>A on the coding strand, the complement: TUBB2B is on the minus strand). VCF-style: chr6-3225665-C-T. GRCh37 (hg19) VCF-style: chr6-3225899-C-T.
Other names: short protein forms G142S.
Identifiers: ClinVar variation 437127 (VCV000437127.8), dbSNP rs774873878, ClinGen allele CA362588762.